The following is an entry in ClinVar:

ClinVar aggregate classification (germline): Uncertain significance. Review status: criteria provided, multiple submitters, no conflicts (2 of 4 stars). 3 submissions from 3 submitters: Uncertain significance (3). Last evaluated 2024-08-16.

Conditions:
Inborn genetic diseases. Identifiers: MedGen C0950123, MeSH D030342.

Allele frequency attached by ClinVar (database versions not stated): gnomAD 0.00003 and 0.00004; ExAC 0.00004; TOPMed 0.00006; gnomAD exomes 0.00008.
gnomAD v4.1: 79 of 1,613,860 alleles (0.0049%); highest among the groups gnomAD compares: South Asian, 0.024%; 1 homozygote.

Submissions (3):

Blueprint Genetics
Classification: Uncertain significance. Last evaluated: 2024-08-16. Review status: criteria provided, single submitter. Criteria: ACMG Guidelines, 2015. Collection method: clinical testing. Allele origin: germline.

Ambry Genetics
Classification: Uncertain significance for Inborn genetic diseases. Last evaluated: 2022-02-04. Review status: criteria provided, single submitter. Criteria: Ambry Variant Classification Scheme 2023. Collection method: clinical testing. Allele origin: germline.

Labcorp Genetics (formerly Invitae), Labcorp
Classification: Uncertain significance. Last evaluated: 2021-07-14. Review status: criteria provided, single submitter. Criteria: Invitae Variant Classification Sherloc (09022015). Collection method: clinical testing. Allele origin: germline.
Comment: This sequence change replaces valine with methionine at codon 913 of the LAMA1 protein (p.Val913Met). The valine residue is weakly conserved and there is a small physicochemical difference between valine and methionine. This variant is present in population databases (rs762641681, ExAC 0.02%). This variant has not been reported in the literature in individuals affected with LAMA1-related conditions. Algorithms developed to predict the effect of missense changes on protein structure and function output the following: SIFT: "Tolerated"; PolyPhen-2: "Benign"; Align-GVGD: "Class C0". The methionine amino acid residue is found in multiple mammalian species, which suggests that this missense change does not adversely affect protein function. In summary, the available evidence is currently insufficient to determine the role of this variant in disease. Therefore, it has been classified as a Variant of Uncertain Significance.

NM_005559.4(LAMA1):c.2737G>A (p.Val913Met)

Gene: LAMA1 (laminin subunit alpha 1; minus strand). Cytogenetic location: 18p11.31.
Variant type: single nucleotide variant.
Coding change: c.2737G>A on transcript NM_005559.4 (MANE Select); coding-DNA position 2737, G replaced by A.
Protein change: p.Val913Met; replaces valine 913 with methionine.
Molecular consequence: missense variant.
Genome position (GRCh38, 1-based): chr18:7,017,349, C>T on the plus strand (G>A on the coding strand, the complement: LAMA1 is on the minus strand). VCF-style: chr18-7017349-C-T. GRCh37 (hg19) VCF-style: chr18-7017348-C-T.
Other names: c.2737G>A (NM_005559.3); short protein forms V913M.
Identifiers: ClinVar variation 1352546 (VCV001352546.8), dbSNP rs762641681, ClinGen allele CA8882543.
Genomic context (GRCh38, chr18:7,017,349, plus strand): 5'-CACACTGCTGTCCAGTCACGTTTGGTTTGCAGTCACAGAGCCCGGTCTCAAGATGGCACA[C>T]GGCAGAATGGGAGCCTTTCACATGGCATTCACAGGCTAAACACATGCACACAAAGACATA-3'
Protein context (NP_005550.2, residues 903-923): ECHVKGSHSA[Val913Met]CHLETGLCDC